The following is an entry in ClinVar:

ClinVar aggregate classification (germline): Uncertain significance (1 of 4 stars; one submission).

Submission:

Ambry Genetics
Classification: Uncertain significance. Last evaluated: 2025-07-12. Review status: criteria provided, single submitter. Criteria: Ambry Variant Classification Scheme 2023. Collection method: clinical testing. Allele origin: germline.
Comment: The p.L38W variant (also known as c.113T>G), located in coding exon 1 of the CDK12 gene, results from a T to G substitution at nucleotide position 113. The leucine at codon 38 is replaced by tryptophan, an amino acid with similar properties. This amino acid position is conserved. In addition, this alteration is predicted to be tolerated by in silico analysis. Based on the available evidence, the clinical significance of this variant remains unclear.

NM_016507.4(CDK12):c.113T>G (p.Leu38Trp)

Genes: CDK12 (cyclin dependent kinase 12; plus strand), LOC126862553 (CDK7 strongly-dependent group 2 enhancer GRCh37_chr17:37618166-37619365; plus strand). Cytogenetic location: 17q12.
Variant type: single nucleotide variant.
Coding change: c.113T>G on transcript NM_016507.4 (MANE Select); coding-DNA position 113, T replaced by G.
Protein change: p.Leu38Trp; replaces leucine 38 with tryptophan.
Molecular consequence: missense variant.
Genome position (GRCh38, 1-based): chr17:39,462,184, T>G. VCF-style: chr17-39462184-T-G. GRCh37 (hg19) VCF-style: chr17-37618437-T-G.
Other names: c.113T>G, p.Leu38Trp (NM_015083.4); short protein forms L38W.
Identifiers: ClinVar variation 4224281 (VCV004224281.1).